The following is an entry in ClinVar:

ClinVar aggregate classification (germline): Uncertain significance (1 of 4 stars; one submission).

Allele frequency attached by ClinVar (database versions not stated): gnomAD 0.00001.
gnomAD v4.1: 1 of 1,609,562 alleles (0.000062%); highest among the groups gnomAD compares: African/African-American, 0.0013%; no homozygotes.

Submission:

Labcorp Genetics (formerly Invitae), Labcorp
Classification: Uncertain significance. Last evaluated: 2022-07-12. Review status: criteria provided, single submitter. Criteria: Invitae Variant Classification Sherloc (09022015). Collection method: clinical testing. Allele origin: germline.
Comment: This sequence change replaces glutamine, which is neutral and polar, with arginine, which is basic and polar, at codon 1907 of the CEP250 protein (p.Gln1907Arg). This variant is not present in population databases (gnomAD no frequency). This variant has not been reported in the literature in individuals affected with CEP250-related conditions. Algorithms developed to predict the effect of missense changes on protein structure and function output the following: SIFT: "Not Available"; PolyPhen-2: "Benign"; Align-GVGD: "Not Available". The arginine amino acid residue is found in multiple mammalian species, which suggests that this missense change does not adversely affect protein function. In summary, the available evidence is currently insufficient to determine the role of this variant in disease. Therefore, it has been classified as a Variant of Uncertain Significance.

NM_007186.6(CEP250):c.5720A>G (p.Gln1907Arg)

Gene: CEP250 (centrosomal protein 250; plus strand). Cytogenetic location: 20q11.22.
Variant type: single nucleotide variant.
Coding change: c.5720A>G on transcript NM_007186.6 (MANE Select); coding-DNA position 5720, A replaced by G.
Protein change: p.Gln1907Arg; replaces glutamine 1907 with arginine.
Molecular consequence: missense variant.
Genome position (GRCh38, 1-based): chr20:35,504,089, A>G. VCF-style: chr20-35504089-A-G. GRCh37 (hg19) VCF-style: chr20-34091917-A-G.
Other names: c.3824A>G, p.Gln1275Arg (NM_001318219.1); short protein forms Q1275R, Q1907R.
Identifiers: ClinVar variation 2016332 (VCV002016332.4), dbSNP rs370536737, ClinGen allele CA408754439.